The following is an entry in ClinVar:

ClinVar aggregate classification (germline): Likely benign. Review status: criteria provided, multiple submitters, no conflicts (2 of 4 stars). 3 submissions from 3 submitters: Likely benign (2). 1 of the submissions does not count toward it. Last evaluated 2023-10-01.

Conditions:
A2ML1-related disorder. Also called: A2ML1-related condition.

gnomAD v4.1: 5 of 1,614,034 alleles (0.00031%); highest among the groups gnomAD compares: African/African-American, 0.0013%; no homozygotes.

Submissions (3):

Women's Health and Genetics/Laboratory Corporation of America, LabCorp
Classification: Likely benign. Last evaluated: 2023-10-01. Review status: criteria provided, single submitter. Criteria: LabCorp Variant Classification Summary - May 2015. Collection method: clinical testing. Allele origin: germline.

Ambry Genetics
Classification: Likely benign. Last evaluated: 2021-05-06. Review status: criteria provided, single submitter. Criteria: Ambry Variant Classification Scheme 2023. Collection method: clinical testing. Allele origin: germline.

PreventionGenetics, part of Exact Sciences
Classification: Likely benign for A2ML1-related condition. Last evaluated: 2022-04-18. Review status: no assertion criteria provided. Collection method: clinical testing. Allele origin: germline. Not counted in ClinVar's aggregate classification.
Comment: This variant is classified as likely benign based on ACMG/AMP sequence variant interpretation guidelines (Richards et al. 2015 PMID: 25741868, with internal and published modifications).

NM_144670.6(A2ML1):c.1662C>T (p.Val554=)

Gene: A2ML1 (alpha-2-macroglobulin like 1; plus strand). Cytogenetic location: 12p13.31.
Variant type: single nucleotide variant.
Coding change: c.1662C>T on transcript NM_144670.6 (MANE Select); coding-DNA position 1662, C replaced by T.
Protein change: p.Val554=; no amino-acid change (valine 554 retained).
Molecular consequence: synonymous variant.
Genome position (GRCh38, 1-based): chr12:8,846,201, C>T. VCF-style: chr12-8846201-C-T. GRCh37 (hg19) VCF-style: chr12-8998797-C-T.
Other names: c.189C>T, p.Val63= (NM_001282424.3); c.1662C>T (NM_144670.5).
Identifiers: ClinVar variation 1777512 (VCV001777512.5), dbSNP rs201231563, ClinGen allele CA478301760.